The following is an entry in ClinVar:

GRCh38/hg38 6p25.3(chr6:266079-339802)x3

Genes: DUSP22 (dual specificity phosphatase 22; plus strand), LOC126859546 (BRD4-independent group 4 enhancer GRCh37_chr6:329543-330742; plus strand), LOC129995536 (ATAC-STARR-seq lymphoblastoid active region 23815; plus strand), LOC129995537 (ATAC-STARR-seq lymphoblastoid active region 23816; plus strand), LOC129995538 (ATAC-STARR-seq lymphoblastoid active region 23818; plus strand) and 17 more. Cytogenetic location: 6p25.3.
Variant type: copy number gain.
Change: copy number 3 (three copies instead of two) of chr6:266,079-339,802 (73.7 kb, GRCh38 coordinates, 1-based), cytogenetic band 6p25.3.
Identifiers: ClinVar variation 161067 (VCV000161067.1).

ClinVar aggregate classification (germline): Benign (1 of 4 stars; one submission).

Submission:

ISCA site 4
Classification: Benign. Last evaluated: 2011-08-12. Review status: criteria provided, single submitter. Criteria: Kaminsky et al. (Genet Med. 2011). Collection method: clinical testing. Allele origin: unknown. Affected: yes. Observed: 1 variant allele.
Comment: Copy number variation identified through the course of routine clinical cytogenomic testing in postnatal populations. Clinical assertions have been curated as described in Kaminsky et al. 2011.